The following is an entry in ClinVar:

NM_012108.4(STAP1):c.127G>C (p.Glu43Gln)

Gene: STAP1 (signal transducing adaptor family member 1; plus strand). Cytogenetic location: 4q13.2.
Variant type: single nucleotide variant.
Coding change: c.127G>C on transcript NM_012108.4 (MANE Select); coding-DNA position 127, G replaced by C.
Protein change: p.Glu43Gln; replaces glutamic acid 43 with glutamine.
Molecular consequence: missense variant.
Genome position (GRCh38, 1-based): chr4:67,571,090, G>C. VCF-style: chr4-67571090-G-C. GRCh37 (hg19) VCF-style: chr4-68436808-G-C.
Other names: c.127G>C, p.Glu43Gln (NM_001317769.2); short protein forms E43Q.
Identifiers: ClinVar variation 3450261 (VCV003450261.1).

ClinVar aggregate classification (germline): Uncertain significance (1 of 4 stars; one submission).

gnomAD v4.1: 1 of 1,610,794 alleles (0.000062%); highest among the groups gnomAD compares: Non-Finnish European, 0.000085%; no homozygotes.

Submission:

Ambry Genetics
Classification: Uncertain significance. Last evaluated: 2024-07-07. Review status: criteria provided, single submitter. Criteria: Ambry Variant Classification Scheme 2023. Collection method: clinical testing. Allele origin: germline.
Comment: The p.E43Q variant (also known as c.127G>C), located in coding exon 2 of the STAP1 gene, results from a G to C substitution at nucleotide position 127. The glutamic acid at codon 43 is replaced by glutamine, an amino acid with highly similar properties. This amino acid position is conserved. In addition, this alteration is predicted to be tolerated by in silico analysis. Based on the available evidence, the clinical significance of this variant remains unclear.